The following is an entry in ClinVar:

ClinVar aggregate classification (germline): Conflicting classifications of pathogenicity. Review status: criteria provided, conflicting classifications (1 of 4 stars). 3 submissions from 3 submitters: Uncertain significance (2); Likely benign (1). Last evaluated 2025-09-04.

Conditions:
Inborn genetic diseases. Identifiers: MedGen C0950123, MeSH D030342.

Allele frequency attached by ClinVar (database versions not stated): TOPMed 0.00001; ExAC 0.00001; gnomAD 0.00001.
gnomAD v4.1: 23 of 1,599,356 alleles (0.0014%); highest among the groups gnomAD compares: East Asian, 0.0022%; no homozygotes.

Submissions (3):

Women's Health and Genetics/Laboratory Corporation of America, LabCorp
Classification: Uncertain significance. Last evaluated: 2025-09-04. Review status: criteria provided, single submitter. Criteria: LabCorp Variant Classification Summary - May 2015. Collection method: clinical testing. Allele origin: germline.
Comment: Variant summary: CHD8 c.710G>A (p.Arg237His) results in a non-conservative amino acid change in the encoded protein sequence. Algorithms developed to predict the effect of missense changes on protein structure and function are either unavailable or do not agree on the potential impact of this missense change. The variant allele was found at a frequency of 8.6e-06 in 233754 control chromosomes. The available data on variant occurrences in the general population are insufficient to allow any conclusion about variant significance. To our knowledge, no occurrence of c.710G>A in individuals affected with CHD8-related conditions and no experimental evidence demonstrating its impact on protein function have been reported. ClinVar contains an entry for this variant (Variation ID: 1757215). Based on the evidence outlined above, the variant was classified as uncertain significance.

Labcorp Genetics (formerly Invitae), Labcorp
Classification: Likely benign. Last evaluated: 2024-11-21. Review status: criteria provided, single submitter. Criteria: Invitae Variant Classification Sherloc (09022015). Collection method: clinical testing. Allele origin: germline.

Ambry Genetics
Classification: Uncertain significance for Inborn genetic diseases. Last evaluated: 2019-04-20. Review status: criteria provided, single submitter. Criteria: Ambry Variant Classification Scheme 2023. Collection method: clinical testing. Allele origin: germline.
Comment: The p.R237H variant (also known as c.710G>A), located in coding exon 1 of the CHD8 gene, results from a G to A substitution at nucleotide position 710. The arginine at codon 237 is replaced by histidine, an amino acid with highly similar properties. This amino acid position is highly conserved in available vertebrate species. In addition, the in silico prediction for this alteration is inconclusive. Since supporting evidence is limited at this time, the clinical significance of this alteration remains unclear.

NM_001170629.2(CHD8):c.710G>A (p.Arg237His)

Gene: CHD8 (chromodomain helicase DNA binding protein 8; minus strand). Cytogenetic location: 14q11.2.
Variant type: single nucleotide variant.
Coding change: c.710G>A on transcript NM_001170629.2 (MANE Select); coding-DNA position 710, G replaced by A.
Protein change: p.Arg237His; replaces arginine 237 with histidine.
Molecular consequence: missense variant. On other transcripts: intron variant (1).
Genome position (GRCh38, 1-based): chr14:21,430,934, C>T on the plus strand (G>A on the coding strand, the complement: CHD8 is on the minus strand). VCF-style: chr14-21430934-C-T. GRCh37 (hg19) VCF-style: chr14-21899093-C-T.
Other names: c.6+877G>A (NM_020920.4); short protein forms R237H.
Identifiers: ClinVar variation 1757215 (VCV001757215.5), dbSNP rs759628921, ClinGen allele CA7091915.